The following is an entry in ClinVar:

NM_005876.5(SPEG):c.2306T>C (p.Leu769Pro)

Gene: SPEG (striated muscle enriched protein kinase; plus strand). Cytogenetic location: 2q35.
Variant type: single nucleotide variant.
Coding change: c.2306T>C on transcript NM_005876.5 (MANE Select); coding-DNA position 2306, T replaced by C.
Protein change: p.Leu769Pro; replaces leucine 769 with proline.
Molecular consequence: missense variant.
Genome position (GRCh38, 1-based): chr2:219,451,673, T>C. VCF-style: chr2-219451673-T-C. GRCh37 (hg19) VCF-style: chr2-220316395-T-C.
Other names: short protein forms L769P.
Identifiers: ClinVar variation 3322114 (VCV003322114.2).

ClinVar aggregate classification (germline): Uncertain significance. Review status: criteria provided, multiple submitters, no conflicts (2 of 4 stars). 2 submissions from 2 submitters: Uncertain significance (2). Last evaluated 2026-01-18.

Conditions:
Inborn genetic diseases. Identifiers: MedGen C0950123, MeSH D030342.

gnomAD v4.1: 4 of 1,586,308 alleles (0.00025%); highest among the groups gnomAD compares: African/African-American, 0.0054%; no homozygotes.

Submissions (2):

Labcorp Genetics (formerly Invitae), Labcorp
Classification: Uncertain significance. Last evaluated: 2026-01-18. Review status: criteria provided, single submitter. Criteria: Invitae Variant Classification Sherloc (09022015). Collection method: clinical testing. Allele origin: germline.
Comment: This sequence change replaces leucine, which is neutral and non-polar, with proline, which is neutral and non-polar, at codon 769 of the SPEG protein (p.Leu769Pro). This variant is not present in population databases (gnomAD no frequency). This variant has not been reported in the literature in individuals affected with SPEG-related conditions. ClinVar contains an entry for this variant (Variation ID: 3322114). An algorithm developed to predict the effect of missense changes on protein structure and function (PolyPhen-2) suggests that this variant is likely to be tolerated. In summary, the available evidence is currently insufficient to determine the role of this variant in disease. Therefore, it has been classified as a Variant of Uncertain Significance.

Ambry Genetics
Classification: Uncertain significance for Inborn genetic diseases. Last evaluated: 2024-05-09. Review status: criteria provided, single submitter. Criteria: Ambry Variant Classification Scheme 2023. Collection method: clinical testing. Allele origin: germline.